The following is an entry in ClinVar:

NM_001161352.2(KCNMA1):c.447G>C (p.Glu149Asp)

Gene: KCNMA1 (potassium calcium-activated channel subfamily M alpha 1; minus strand). Cytogenetic location: 10q22.3.
Variant type: single nucleotide variant.
Coding change: c.447G>C on transcript NM_001161352.2 (MANE Select); coding-DNA position 447, G replaced by C.
Protein change: p.Glu149Asp; replaces glutamic acid 149 with aspartic acid.
Molecular consequence: missense variant. On other transcripts: intron variant (1).
Genome position (GRCh38, 1-based): chr10:77,403,955, C>G on the plus strand (G>C on the coding strand, the complement: KCNMA1 is on the minus strand). VCF-style: chr10-77403955-C-G. GRCh37 (hg19) VCF-style: chr10-79163713-C-G.
Other names: c.447G>C, p.Glu149Asp (NM_001014797.3, NM_001161353.2, NM_001271519.2 and 7 more transcripts); c.379-152699G>C (NM_001271518.2); short protein forms E149D.
Identifiers: ClinVar variation 1432180 (VCV001432180.8), dbSNP rs896386800, ClinGen allele CA377411120.

ClinVar aggregate classification (germline): Uncertain significance (1 of 4 stars; one submission).

Conditions:
Generalized epilepsy-paroxysmal dyskinesia syndrome (PNKD3). Also called: Generalized epilepsy and paroxysmal dyskinesia; Paroxysmal nonkinesigenic dyskinesia, 3, with or without generalized epilepsy. Identifiers: Orphanet 79137, MedGen C5574945, MONDO:0012276, OMIM 609446.

Allele frequency attached by ClinVar (database versions not stated): gnomAD exomes below 0.00001.
gnomAD v4.1: 1 of 1,614,196 alleles (0.000062%); highest among the groups gnomAD compares: East Asian, 0.0022%; no homozygotes.

Submission:

Labcorp Genetics (formerly Invitae), Labcorp
Classification: Uncertain significance for Generalized epilepsy-paroxysmal dyskinesia syndrome. Last evaluated: 2025-02-25. Review status: criteria provided, single submitter. Criteria: Invitae Variant Classification Sherloc (09022015). Collection method: clinical testing. Allele origin: germline.
Comment: This sequence change replaces glutamic acid, which is acidic and polar, with aspartic acid, which is acidic and polar, at codon 149 of the KCNMA1 protein (p.Glu149Asp). This variant is not present in population databases (gnomAD no frequency). This variant has not been reported in the literature in individuals affected with KCNMA1-related conditions. ClinVar contains an entry for this variant (Variation ID: 1432180). An algorithm developed to predict the effect of missense changes on protein structure and function (PolyPhen-2) suggests that this variant is likely to be tolerated. In summary, the available evidence is currently insufficient to determine the role of this variant in disease. Therefore, it has been classified as a Variant of Uncertain Significance.